The following is an entry in ClinVar:

NM_006063.3(KLHL41):c.215dup (p.Glu73fs)

Gene: KLHL41 (kelch like family member 41; plus strand). Cytogenetic location: 2q31.1.
Variant type: Duplication.
Coding change: c.215dup on transcript NM_006063.3 (MANE Select); coding-DNA position 215, one base duplicated (A; older notation c.215dupA).
Protein change: p.Glu73fs; shifts the reading frame from glutamic acid 73.
Molecular consequence: frameshift variant.
Genome position (GRCh38, 1-based): chr2:169,509,993, A duplicated; the last of 8 consecutive A bases (chr2:169,509,986-169,509,993); duplicating any one gives the same sequence. VCF-style (leftmost placement, unchanged base first): chr2-169509985-G-GA. GRCh37 (hg19) VCF-style: chr2-170366495-G-GA.
Other names: c.215dupA (NM_006063.2); short protein forms E73fs.
Identifiers: ClinVar variation 566091 (VCV000566091.8), dbSNP rs775513051, ClinGen allele CA1956465.

ClinVar aggregate classification (germline): Pathogenic (1 of 4 stars; one submission).

Conditions:
Nemaline myopathy 9 (NEM9). Identifiers: MedGen C3810384, MONDO:0014326, OMIM 615731.

Submission:

Labcorp Genetics (formerly Invitae), Labcorp
Classification: Pathogenic for Nemaline myopathy 9. Last evaluated: 2019-03-12. Review status: criteria provided, single submitter. Criteria: Invitae Variant Classification Sherloc (09022015). Collection method: clinical testing. Allele origin: germline.
Comment: This variant is present in population databases (rs775513051, ExAC 0.006%). For these reasons, this variant has been classified as Pathogenic. Loss-of-function variants in KLHL41 are known to be pathogenic (PMID: 24268659). This variant has not been reported in the literature in individuals with KLHL41-related disease. ClinVar contains an entry for this variant (Variation ID: 566091). This sequence change creates a premature translational stop signal (p.Glu73Glyfs*13) in the KLHL41 gene. It is expected to result in an absent or disrupted protein product.

Literature cited by the submitters: PubMed 24268659.